The following is an entry in ClinVar:

NM_000264.5(PTCH1):c.608G>A (p.Cys203Tyr)

Gene: PTCH1 (patched 1; minus strand). Cytogenetic location: 9q22.32.
Variant type: single nucleotide variant.
Coding change: c.608G>A on transcript NM_000264.5 (MANE Select); coding-DNA position 608, G replaced by A.
Protein change: p.Cys203Tyr; replaces cysteine 203 with tyrosine.
Molecular consequence: missense variant. On other transcripts: non-coding transcript variant (1).
Genome position (GRCh38, 1-based): chr9:95,482,180, C>T on the plus strand (G>A on the coding strand, the complement: PTCH1 is on the minus strand). VCF-style: chr9-95482180-C-T. GRCh37 (hg19) VCF-style: chr9-98244462-C-T.
Other names: c.410G>A, p.Cys137Tyr (NM_001083602.3, NM_001354919.2); c.605G>A, p.Cys202Tyr (NM_001083603.3); c.155G>A, p.Cys52Tyr (NM_001083604.3, NM_001083605.3, NM_001083606.3 and 1 more transcripts); c.608G>A, p.Cys203Tyr (NM_001354918.2); short protein forms C203Y, C137Y, C52Y, C202Y.
Identifiers: ClinVar variation 453908 (VCV000453908.11), dbSNP rs1261920867, ClinGen allele CA374115112.

ClinVar aggregate classification (germline): Uncertain significance (1 of 4 stars; one submission).

Conditions:
Gorlin syndrome. Also called: Basal cell nevus syndrome; Nevoid Basal Cell Carcinoma Syndrome. Identifiers: Orphanet 377, MedGen C0004779, MONDO:0007187.

Allele frequency attached by ClinVar (database versions not stated): TOPMed below 0.00001; gnomAD 0.00001.
gnomAD v4.1: 1 of 1,613,950 alleles (0.000062%); highest among the groups gnomAD compares: Non-Finnish European, 0.000085%; no homozygotes.

Submission:

Labcorp Genetics (formerly Invitae), Labcorp
Classification: Uncertain significance for Gorlin syndrome. Last evaluated: 2023-09-04. Review status: criteria provided, single submitter. Criteria: Invitae Variant Classification Sherloc (09022015). Collection method: clinical testing. Allele origin: germline.
Comment: ClinVar contains an entry for this variant (Variation ID: 453908). This variant has not been reported in the literature in individuals affected with PTCH1-related conditions. This variant is not present in population databases (gnomAD no frequency). This sequence change replaces cysteine, which is neutral and slightly polar, with tyrosine, which is neutral and polar, at codon 203 of the PTCH1 protein (p.Cys203Tyr). Advanced modeling of protein sequence and biophysical properties (such as structural, functional, and spatial information, amino acid conservation, physicochemical variation, residue mobility, and thermodynamic stability) performed at Invitae indicates that this missense variant is expected to disrupt PTCH1 protein function. In summary, the available evidence is currently insufficient to determine the role of this variant in disease. Therefore, it has been classified as a Variant of Uncertain Significance.